The following is an entry in ClinVar:

NM_002485.5(NBN):c.55T>G (p.Leu19Val)

Gene: NBN (nibrin; minus strand). Cytogenetic location: 8q21.3.
Variant type: single nucleotide variant.
Coding change: c.55T>G on transcript NM_002485.5 (MANE Select); coding-DNA position 55, T replaced by G.
Protein change: p.Leu19Val; replaces leucine 19 with valine.
Molecular consequence: missense variant. On other transcripts: 5 prime UTR variant (1).
Genome position (GRCh38, 1-based): chr8:89,982,838, A>C on the plus strand (T>G on the coding strand, the complement: NBN is on the minus strand). VCF-style: chr8-89982838-A-C. GRCh37 (hg19) VCF-style: chr8-90995066-A-C.
Other names: c.-242T>G (NM_001024688.3); short protein forms L19V.
Identifiers: ClinVar variation 999554 (VCV000999554.8), dbSNP rs1586112097, ClinGen allele CA371663638.

ClinVar aggregate classification (germline): Uncertain significance. Review status: criteria provided, multiple submitters, no conflicts (2 of 4 stars). 2 submissions from 2 submitters: Uncertain significance (2). Last evaluated 2021-08-28.

Conditions:
Hereditary cancer-predisposing syndrome. Also called: Neoplastic Syndromes, Hereditary; Hereditary neoplastic syndrome; Hereditary Cancer Syndrome; Tumor predisposition. Identifiers: Orphanet 140162, MedGen C0027672, MeSH D009386, MONDO:0015356.
Microcephaly, normal intelligence and immunodeficiency (NBS). Also called: Microcephaly with normal intelligence immunodeficiency and lymphoreticular malignancies; Nonsyndromal microcephaly autosomal recessive with normal intelligence; Seemanova syndrome 2; Immunodeficiency, microcephaly with normal intelligence; Ataxia telangiectasia variant V1; BERLIN BREAKAGE SYNDROME. Identifiers: Orphanet 647, MedGen C0398791, MONDO:0009623, OMIM 251260.

Submissions (2):

Labcorp Genetics (formerly Invitae), Labcorp
Classification: Uncertain significance for Microcephaly, normal intelligence and immunodeficiency. Last evaluated: 2021-08-28. Review status: criteria provided, single submitter. Criteria: Invitae Variant Classification Sherloc (09022015). Collection method: clinical testing. Allele origin: germline.
Comment: This sequence change replaces leucine with valine at codon 19 of the NBN protein (p.Leu19Val). The leucine residue is moderately conserved and there is a small physicochemical difference between leucine and valine. This variant is not present in population databases (ExAC no frequency). This variant has not been reported in the literature in individuals affected with NBN-related conditions. Algorithms developed to predict the effect of missense changes on protein structure and function are either unavailable or do not agree on the potential impact of this missense change (SIFT: "Tolerated"; PolyPhen-2: "Possibly Damaging"; Align-GVGD: "Class C0"). In summary, the available evidence is currently insufficient to determine the role of this variant in disease. Therefore, it has been classified as a Variant of Uncertain Significance.

Ambry Genetics
Classification: Uncertain significance for Hereditary cancer-predisposing syndrome. Last evaluated: 2021-03-20. Review status: criteria provided, single submitter. Criteria: Ambry Variant Classification Scheme 2023. Collection method: clinical testing. Allele origin: germline.
Comment: The p.L19V variant (also known as c.55T>G), located in coding exon 2 of the NBN gene, results from a T to G substitution at nucleotide position 55. The leucine at codon 19 is replaced by valine, an amino acid with highly similar properties. This amino acid position is highly conserved in available vertebrate species. In addition, this alteration is predicted to be tolerated by in silico analysis. Since supporting evidence is limited at this time, the clinical significance of this alteration remains unclear.